The following is an entry in ClinVar:

ClinVar aggregate classification (germline): Uncertain significance (1 of 4 stars; one submission).

Conditions:
Primary ciliary dyskinesia 28. Also called: CILIARY DYSKINESIA, PRIMARY, 28, WITH OR WITHOUT SITUS INVERSUS. Identifiers: Orphanet 244, MedGen C3809706, MONDO:0014216, OMIM 615505.

Allele frequency attached by ClinVar (database versions not stated): gnomAD exomes below 0.00001.
gnomAD v4.1: 2 of 1,614,056 alleles (0.00012%); highest among the groups gnomAD compares: Non-Finnish European, 0.00017%; no homozygotes.

Submission:

Labcorp Genetics (formerly Invitae), Labcorp
Classification: Uncertain significance for Primary ciliary dyskinesia 28. Last evaluated: 2020-02-17. Review status: criteria provided, single submitter. Criteria: Invitae Variant Classification Sherloc (09022015). Collection method: clinical testing. Allele origin: germline.
Comment: In summary, the available evidence is currently insufficient to determine the role of this variant in disease. Therefore, it has been classified as a Variant of Uncertain Significance. Algorithms developed to predict the effect of missense changes on protein structure and function are either unavailable or do not agree on the potential impact of this missense change (SIFT: "Deleterious"; PolyPhen-2: "Probably Damaging"; Align-GVGD: "Class C0"). This variant has not been reported in the literature in individuals with SPAG1-related conditions. This variant is not present in population databases (ExAC no frequency). This sequence change replaces isoleucine with threonine at codon 854 of the SPAG1 protein (p.Ile854Thr). The isoleucine residue is moderately conserved and there is a moderate physicochemical difference between isoleucine and threonine.

NM_003114.5(SPAG1):c.2561T>C (p.Ile854Thr)

Gene: SPAG1 (sperm associated antigen 1; plus strand). Cytogenetic location: 8q22.2.
Variant type: single nucleotide variant.
Coding change: c.2561T>C on transcript NM_003114.5 (MANE Select); coding-DNA position 2561, T replaced by C.
Protein change: p.Ile854Thr; replaces isoleucine 854 with threonine.
Molecular consequence: missense variant.
Genome position (GRCh38, 1-based): chr8:100,240,683, T>C. VCF-style: chr8-100240683-T-C. GRCh37 (hg19) VCF-style: chr8-101252911-T-C.
Other names: c.2561T>C, p.Ile854Thr (NM_001374321.1, NM_172218.3); short protein forms I854T.
Identifiers: ClinVar variation 1057590 (VCV001057590.9), dbSNP rs2132447595, ClinGen allele CA371818952.